The following is an entry in ClinVar:

ClinVar aggregate classification (germline): Uncertain significance (1 of 4 stars; one submission).

gnomAD v4.1: 4 of 1,613,190 alleles (0.00025%); highest among the groups gnomAD compares: Admixed American, 0.0033%; no homozygotes.

Submission:

Ambry Genetics
Classification: Uncertain significance. Last evaluated: 2026-03-19. Review status: criteria provided, single submitter. Criteria: Ambry Variant Classification Scheme 2023. Collection method: clinical testing. Allele origin: germline.
Comment: The c.40T>G (p.S14A) alteration is located in exon 2 (coding exon 1) of the BTN2A1 gene. This alteration results from a T to G substitution at nucleotide position 40, causing the serine (S) at amino acid position 14 to be replaced by an alanine (A). Based on data from gnomAD, the G allele has an overall frequency of <0.001% (1/251416) total alleles studied. The highest observed frequency was 0.003% (1/34590) of Latino alleles. Based on insufficient or conflicting evidence, the clinical significance of this alteration remains unclear.

NM_007049.5(BTN2A1):c.40T>G (p.Ser14Ala)

Gene: BTN2A1 (butyrophilin subfamily 2 member A1; plus strand). Cytogenetic location: 6p22.2.
Variant type: single nucleotide variant.
Coding change: c.40T>G on transcript NM_007049.5 (MANE Select); coding-DNA position 40, T replaced by G.
Protein change: p.Ser14Ala; replaces serine 14 with alanine.
Molecular consequence: missense variant. On other transcripts: intron variant (1).
Genome position (GRCh38, 1-based): chr6:26,458,676, T>G. VCF-style: chr6-26458676-T-G. GRCh37 (hg19) VCF-style: chr6-26458904-T-G.
Other names: c.40T>G, p.Ser14Ala (NM_001197234.3, NM_078476.4); c.-102+534T>G (NM_001197233.3); short protein forms S14A.
Identifiers: ClinVar variation 4867964 (VCV004867964.1).
Genomic context (GRCh38, chr6:26,458,676, plus strand): 5'-CCCTGCCTGCTCTGGGTGCTCATGGAATCAGCTGCTGCCCTGCACTTCTCCCGGCCAGCC[T>G]CCCTCCTCCTCCTCCTCCTCAGCCTGTGTGCACTGGTCTCAGGTAGGGATGTGTGCCACT-3'
Protein context (NP_008980.1, residues 4-24): AAALHFSRPA[Ser14Ala]LLLLLLSLCA